The following is an entry in ClinVar:

NM_005619.5(RTN2):c.859T>A (p.Tyr287Asn)

Genes: OPA3-RTN2 (OPA3-RTN2 readthrough; minus strand), RTN2 (reticulon 2; minus strand). Cytogenetic location: 19q13.32.
Variant type: single nucleotide variant.
Coding change: c.859T>A on transcript NM_005619.5 (MANE Select); coding-DNA position 859, T replaced by A.
Protein change: p.Tyr287Asn; replaces tyrosine 287 with asparagine.
Molecular consequence: missense variant. On other transcripts: intron variant (1).
Genome position (GRCh38, 1-based): chr19:45,493,334, A>T on the plus strand (T>A on the coding strand, the complement: RTN2 is on the minus strand). VCF-style: chr19-45493334-A-T. GRCh37 (hg19) VCF-style: chr19-45996592-A-T.
Other names: c.814+832T>A (NM_206900.3); short protein forms Y287N.
Identifiers: ClinVar variation 2703962 (VCV002703962.3), dbSNP rs766246573, ClinGen allele CA9516145.

ClinVar aggregate classification (germline): Uncertain significance (1 of 4 stars; one submission).

Conditions:
Spastic paraplegia. Identifiers: MedGen C0037772, HP:0001258.

Allele frequency attached by ClinVar (database versions not stated): ExAC 0.00001.

Submission:

Labcorp Genetics (formerly Invitae), Labcorp
Classification: Uncertain significance for Spastic paraplegia. Last evaluated: 2023-06-09. Review status: criteria provided, single submitter. Criteria: Invitae Variant Classification Sherloc (09022015). Collection method: clinical testing. Allele origin: germline.
Comment: In summary, the available evidence is currently insufficient to determine the role of this variant in disease. Therefore, it has been classified as a Variant of Uncertain Significance. An algorithm developed to predict the effect of missense changes on protein structure and function (PolyPhen-2) suggests that this variant is likely to be tolerated. This variant has not been reported in the literature in individuals affected with RTN2-related conditions. This variant is present in population databases (rs766246573, gnomAD 0.0009%). This sequence change replaces tyrosine, which is neutral and polar, with asparagine, which is neutral and polar, at codon 287 of the RTN2 protein (p.Tyr287Asn).